The following is an entry in ClinVar:

ClinVar aggregate classification (germline): Uncertain significance. Review status: criteria provided, single submitter (1 of 4 stars). 2 submissions from 2 submitters: Uncertain significance (1). 1 of the submissions does not count toward it. Last evaluated 2022-09-02.

Conditions:
Abnormal heart morphology. Also called: Heart, malformation of; Abnormality of cardiac morphology. Identifiers: MedGen C0018798, MeSH D006330, HP:0001627.
X-linked dystonia-parkinsonism (DYT3). Also called: DYT-TAF1; TORSION DYSTONIA-PARKINSONISM, FILIPINO TYPE; Lubag. Identifiers: Orphanet 53351, MedGen C1839130, MONDO:0010747, OMIM 314250.

Submissions (2):

Laboratorio de Genetica e Diagnostico Molecular, Hospital Israelita Albert Einstein
Classification: Uncertain significance for X-linked dystonia-parkinsonism. Last evaluated: 2022-09-02. Review status: criteria provided, single submitter. Criteria: ACMG Guidelines, 2015. Collection method: clinical testing. Allele origin: germline. Affected: yes.
Comment: ACMG classification criteria: PM2 moderated

Yale Center for Mendelian Genomics, Yale University
Classification: association for Abnormal heart morphology. Last evaluated: 2020-06-13. Review status: no assertion criteria provided. Collection method: literature only. Allele origin: de novo. Affected: yes. Observed: 1 heterozygote. Study: Yale Center for Mendelian Genomics. Not counted in ClinVar's aggregate classification.

Literature cited by the submitters: PubMed 32396742 (cited by Yale Center for Mendelian Genomics, Yale University).

NM_004606.5(TAF1):c.3796G>A (p.Gly1266Arg)

Gene: TAF1 (TATA-box binding protein associated factor 1; plus strand). Cytogenetic location: Xq13.1.
Variant type: single nucleotide variant.
Coding change: c.3796G>A on transcript NM_004606.5 (MANE Select); coding-DNA position 3796, G replaced by A.
Protein change: p.Gly1266Arg; replaces glycine 1266 with arginine.
Molecular consequence: missense variant. On other transcripts: non-coding transcript variant (9).
Genome position (GRCh38, 1-based): chrX:71,401,537, G>A. VCF-style: chrX-71401537-G-A. GRCh37 (hg19) VCF-style: chrX-70621387-G-A.
Other names: c.3796G>A, p.Gly1266Arg (NM_001286074.2); c.3733G>A, p.Gly1245Arg (NM_138923.4); short protein forms G1245R, G1266R.
Identifiers: ClinVar variation 1344723 (VCV001344723.3), dbSNP rs2148443174, ClinGen allele CA413533253.